The following is an entry in ClinVar:

NM_001123385.2(BCOR):c.4140_4141del (p.Glu1382fs)

Gene: BCOR (BCL6 corepressor; minus strand). Cytogenetic location: Xp11.4.
Variant type: Deletion.
Coding change: c.4140_4141del on transcript NM_001123385.2 (MANE Select); coding-DNA positions 4140 to 4141, 2 bases deleted (AG; older notation c.4140_4141delAG).
Protein change: p.Glu1382fs; shifts the reading frame from glutamic acid 1382.
Molecular consequence: frameshift variant.
Genome position (GRCh38, 1-based): chrX:40,062,778-40,062,779, CT deleted on the plus strand (AG on the coding strand, the reverse complement: BCOR is on the minus strand). VCF-style (leftmost placement, unchanged base first): chrX-40062777-CCT-C. GRCh37 (hg19) VCF-style: chrX-39922030-CCT-C.
Other names: c.4038_4039delAG, p.Glu1348Ilefs (NM_001123383.2); c.3984_3985del, p.Glu1330fs (NM_001123384.2); c.4038_4039del, p.Glu1348fs (NM_017745.6); short protein forms E1348fs, E1330fs, E1382fs.
Identifiers: ClinVar variation 2737205 (VCV002737205.3), dbSNP rs2519588473, ClinGen allele CA2579585449.

ClinVar aggregate classification (germline): Pathogenic (1 of 4 stars; one submission).

Conditions:
Oculofaciocardiodental syndrome (MCOPS2). Identifiers: Orphanet 2712, MedGen C1846265, MONDO:0010261, OMIM 300166.

Submission:

Labcorp Genetics (formerly Invitae), Labcorp
Classification: Pathogenic for Oculofaciocardiodental syndrome. Last evaluated: 2023-10-07. Review status: criteria provided, single submitter. Criteria: Invitae Variant Classification Sherloc (09022015). Collection method: clinical testing. Allele origin: germline.
Comment: This sequence change creates a premature translational stop signal (p.Glu1348Ilefs*26) in the BCOR gene. It is expected to result in an absent or disrupted protein product. Loss-of-function variants in BCOR are known to be pathogenic (PMID: 15004558, 19367324). This variant is not present in population databases (gnomAD no frequency). This premature translational stop signal has been observed in individual(s) with oculofaciocardiodental syndrome (PMID: 15004558). For these reasons, this variant has been classified as Pathogenic.

Literature cited by the submitters: PubMed 15004558; PubMed 19367324.